The following is an entry in ClinVar:

NM_004456.5(EZH2):c.1456C>G (p.Pro486Ala)

Gene: EZH2 (enhancer of zeste 2 polycomb repressive complex 2 subunit; minus strand). Cytogenetic location: 7q36.1.
Variant type: single nucleotide variant.
Coding change: c.1456C>G on transcript NM_004456.5 (MANE Select); coding-DNA position 1456, C replaced by G.
Protein change: p.Pro486Ala; replaces proline 486 with alanine.
Molecular consequence: missense variant.
Genome position (GRCh38, 1-based): chr7:148,816,733, G>C on the plus strand (C>G on the coding strand, the complement: EZH2 is on the minus strand). VCF-style: chr7-148816733-G-C. GRCh37 (hg19) VCF-style: chr7-148513825-G-C.
Other names: c.1441C>G, p.Pro481Ala (NM_001203247.2); c.1414C>G, p.Pro472Ala (NM_001203248.2, NM_001203249.2); c.1324C>G, p.Pro442Ala (NM_152998.3); short protein forms P472A, P486A, P442A, P481A.
Identifiers: ClinVar variation 2741170 (VCV002741170.4), dbSNP rs1168301922, ClinGen allele CA369714476.

ClinVar aggregate classification (germline): Uncertain significance. Review status: criteria provided, multiple submitters, no conflicts (2 of 4 stars). 2 submissions from 2 submitters: Uncertain significance (2). Last evaluated 2023-05-10.

Conditions:
Weaver syndrome (WVS). Also called: Weaver Smith syndrome; Overgrowth syndrome with accelerated skeletal maturation, unusual facies, and camptodactyly. Identifiers: Orphanet 3447, MedGen C0265210, MONDO:0010193, OMIM 277590.

Allele frequency attached by ClinVar (database versions not stated): gnomAD exomes below 0.00001.
gnomAD v4.1: 1 of 1,614,132 alleles (0.000062%); highest among the groups gnomAD compares: Non-Finnish European, 0.000085%; no homozygotes.

Submissions (2):

GeneDx
Classification: Uncertain significance. Last evaluated: 2023-05-10. Review status: criteria provided, single submitter. Criteria: GeneDx Variant Classification Process June 2021. Collection method: clinical testing. Allele origin: germline. Affected: yes.
Comment: Not observed at significant frequency in large population cohorts (gnomAD); In silico analysis supports that this missense variant has a deleterious effect on protein structure/function; Has not been previously published as pathogenic or benign to our knowledge

Labcorp Genetics (formerly Invitae), Labcorp
Classification: Uncertain significance for Weaver syndrome. Last evaluated: 2023-02-02. Review status: criteria provided, single submitter. Criteria: Invitae Variant Classification Sherloc (09022015). Collection method: clinical testing. Allele origin: germline.
Comment: This sequence change replaces proline, which is neutral and non-polar, with alanine, which is neutral and non-polar, at codon 486 of the EZH2 protein (p.Pro486Ala). In summary, the available evidence is currently insufficient to determine the role of this variant in disease. Therefore, it has been classified as a Variant of Uncertain Significance. Advanced modeling of protein sequence and biophysical properties (such as structural, functional, and spatial information, amino acid conservation, physicochemical variation, residue mobility, and thermodynamic stability) performed at Invitae indicates that this missense variant is not expected to disrupt EZH2 protein function. This variant has not been reported in the literature in individuals affected with EZH2-related conditions. This variant is not present in population databases (gnomAD no frequency).